The following is an entry in ClinVar:

ClinVar aggregate classification (germline): Uncertain significance. Review status: criteria provided, multiple submitters, no conflicts (2 of 4 stars). 2 submissions from 2 submitters: Uncertain significance (2). Last evaluated 2023-11-06.

Conditions:
Inborn genetic diseases. Identifiers: MedGen C0950123, MeSH D030342.

Allele frequency attached by ClinVar (database versions not stated): gnomAD exomes 0.00001; gnomAD 0.00006 and 0.00007; TOPMed 0.00017.
gnomAD v4.1: 18 of 1,604,950 alleles (0.0011%); highest among the groups gnomAD compares: Admixed American, 0.024%; no homozygotes.

Submissions (2):

Ambry Genetics
Classification: Uncertain significance for Inborn genetic diseases. Last evaluated: 2023-11-06. Review status: criteria provided, single submitter. Criteria: Ambry Variant Classification Scheme 2023. Collection method: clinical testing. Allele origin: germline.

Labcorp Genetics (formerly Invitae), Labcorp
Classification: Uncertain significance. Last evaluated: 2022-10-25. Review status: criteria provided, single submitter. Criteria: Invitae Variant Classification Sherloc (09022015). Collection method: clinical testing. Allele origin: germline.
Comment: This sequence change replaces serine, which is neutral and polar, with cysteine, which is neutral and slightly polar, at codon 782 of the PNPT1 protein (p.Ser782Cys). This variant is present in population databases (no rsID available, gnomAD 0.009%). This variant has not been reported in the literature in individuals affected with PNPT1-related conditions. ClinVar contains an entry for this variant (Variation ID: 1350931). Advanced modeling of protein sequence and biophysical properties (such as structural, functional, and spatial information, amino acid conservation, physicochemical variation, residue mobility, and thermodynamic stability) performed at Invitae indicates that this missense variant is not expected to disrupt PNPT1 protein function. In summary, the available evidence is currently insufficient to determine the role of this variant in disease. Therefore, it has been classified as a Variant of Uncertain Significance.

NM_033109.5(PNPT1):c.2345C>G (p.Ser782Cys)

Gene: PNPT1 (polyribonucleotide nucleotidyltransferase 1; minus strand). Cytogenetic location: 2p16.1.
Variant type: single nucleotide variant.
Coding change: c.2345C>G on transcript NM_033109.5 (MANE Select); coding-DNA position 2345, C replaced by G.
Protein change: p.Ser782Cys; replaces serine 782 with cysteine.
Molecular consequence: missense variant.
Genome position (GRCh38, 1-based): chr2:55,636,244, G>C on the plus strand (C>G on the coding strand, the complement: PNPT1 is on the minus strand). VCF-style: chr2-55636244-G-C. GRCh37 (hg19) VCF-style: chr2-55863379-G-C.
Other names: c.2345C>G (NM_033109.3); short protein forms S782C.
Identifiers: ClinVar variation 1350931 (VCV001350931.4), dbSNP rs1051308974, ClinGen allele CA47647091.